The following is an entry in ClinVar:

NM_000093.5(COL5A1):c.5136+117C>T

Genes: COL5A1 (collagen type V alpha 1 chain; plus strand), LOC101448202 (uncharacterized LOC101448202; minus strand). Cytogenetic location: 9q34.3.
Variant type: single nucleotide variant.
Coding change: c.5136+117C>T on transcript NM_000093.5 (MANE Select); 117 bases into the intron after coding-DNA position 5136, C replaced by T.
Molecular consequence: intron variant. On other transcripts: synonymous variant (1).
Genome position (GRCh38, 1-based): chr9:134,830,161, C>T. VCF-style: chr9-134830161-C-T. GRCh37 (hg19) VCF-style: chr9-137722007-C-T.
Other names: c.5121C>T, p.Tyr1707= (NM_001278074.1).
Identifiers: ClinVar variation 2442731 (VCV002442731.1), dbSNP rs777444130, ClinGen allele CA5320625.

ClinVar aggregate classification (germline): Uncertain significance (1 of 4 stars; one submission).

Allele frequency attached by ClinVar (database versions not stated): TOPMed 0.00001.
gnomAD v4.1: 13 of 1,610,938 alleles (0.00081%); highest among the groups gnomAD compares: East Asian, 0.013%; 1 homozygote.

Submission:

GeneDx
Classification: Uncertain significance. Last evaluated: 2022-09-02. Review status: criteria provided, single submitter. Criteria: GeneDx Variant Classification Process June 2021. Collection method: clinical testing. Allele origin: germline. Affected: yes.
Comment: In silico analysis supports that this variant does not alter splicing; Has not been previously published as pathogenic or benign to our knowledge